The following is an entry in ClinVar:

NM_152564.5(VPS13B):c.6919G>A (p.Asp2307Asn)

Gene: VPS13B (vacuolar protein sorting 13 homolog B; plus strand). Cytogenetic location: 8q22.2.
Variant type: single nucleotide variant.
Coding change: c.6919G>A on transcript NM_152564.5 (MANE Select); coding-DNA position 6919, G replaced by A.
Protein change: p.Asp2307Asn; replaces aspartic acid 2307 with asparagine.
Molecular consequence: missense variant.
Genome position (GRCh38, 1-based): chr8:99,720,916, G>A. VCF-style: chr8-99720916-G-A. GRCh37 (hg19) VCF-style: chr8-100733144-G-A.
Other names: c.6994G>A, p.Asp2332Asn (NM_017890.5); short protein forms D2307N, D2332N.
Identifiers: ClinVar variation 942783 (VCV000942783.10), dbSNP rs1833105526, ClinGen allele CA371868336.

ClinVar aggregate classification (germline): Uncertain significance. Review status: criteria provided, single submitter (1 of 4 stars). 2 submissions from 2 submitters: Uncertain significance (1). 1 of the submissions does not count toward it. Last evaluated 2024-12-02.

Conditions:
Cohen syndrome (COH1). Also called: PEPPER SYNDROME; Cutis verticis gyrata, retinitis pigmentosa, and sensorineural deafness. Identifiers: Orphanet 193, MedGen C0265223, MONDO:0008999, OMIM 216550.

Submissions (2):

Labcorp Genetics (formerly Invitae), Labcorp
Classification: Uncertain significance for Cohen syndrome. Last evaluated: 2024-12-02. Review status: criteria provided, single submitter. Criteria: Invitae Variant Classification Sherloc (09022015). Collection method: clinical testing. Allele origin: germline.
Comment: This sequence change replaces aspartic acid, which is acidic and polar, with asparagine, which is neutral and polar, at codon 2332 of the VPS13B protein (p.Asp2332Asn). This variant is not present in population databases (gnomAD no frequency). This variant has not been reported in the literature in individuals affected with VPS13B-related conditions. ClinVar contains an entry for this variant (Variation ID: 942783). Invitae Evidence Modeling of protein sequence and biophysical properties (such as structural, functional, and spatial information, amino acid conservation, physicochemical variation, residue mobility, and thermodynamic stability) indicates that this missense variant is expected to disrupt VPS13B protein function with a positive predictive value of 80%. In summary, the available evidence is currently insufficient to determine the role of this variant in disease. Therefore, it has been classified as a Variant of Uncertain Significance.

Natera, Inc.
Classification: Uncertain significance for Cohen syndrome. Last evaluated: 2020-03-17. Review status: no assertion criteria provided. Collection method: clinical testing. Allele origin: germline. Not counted in ClinVar's aggregate classification.